The following is an entry in ClinVar:

ClinVar aggregate classification (germline): Uncertain significance (1 of 4 stars; one submission).

gnomAD v4.1: 2 of 1,613,944 alleles (0.00012%); no homozygotes.

Submission:

Labcorp Genetics (formerly Invitae), Labcorp
Classification: Uncertain significance. Last evaluated: 2022-09-06. Review status: criteria provided, single submitter. Criteria: Invitae Variant Classification Sherloc (09022015). Collection method: clinical testing. Allele origin: germline.
Comment: In summary, the available evidence is currently insufficient to determine the role of this variant in disease. Therefore, it has been classified as a Variant of Uncertain Significance. Algorithms developed to predict the effect of missense changes on protein structure and function are either unavailable or do not agree on the potential impact of this missense change (SIFT: "Deleterious"; PolyPhen-2: "Benign"; Align-GVGD: "Class C55"). ClinVar contains an entry for this variant (Variation ID: 1364781). This variant has not been reported in the literature in individuals affected with VCAN-related conditions. This variant is not present in population databases (gnomAD no frequency). This sequence change replaces glutamic acid, which is acidic and polar, with lysine, which is basic and polar, at codon 1640 of the VCAN protein (p.Glu1640Lys).

NM_004385.5(VCAN):c.4918G>A (p.Glu1640Lys)

Genes: VCAN (versican; plus strand), VCAN-AS1 (VCAN antisense RNA 1; minus strand). Cytogenetic location: 5q14.3.
Variant type: single nucleotide variant.
Coding change: c.4918G>A on transcript NM_004385.5 (MANE Select); coding-DNA position 4918, G replaced by A.
Protein change: p.Glu1640Lys; replaces glutamic acid 1640 with lysine.
Molecular consequence: missense variant. On other transcripts: intron variant (2).
Genome position (GRCh38, 1-based): chr5:83,537,921, G>A. VCF-style: chr5-83537921-G-A. GRCh37 (hg19) VCF-style: chr5-82833740-G-A.
Other names: c.1957G>A, p.Glu653Lys (NM_001164097.2); c.4004-7616G>A (NM_001164098.2); c.1043-7616G>A (NM_001126336.3); short protein forms E1640K, E653K.
Identifiers: ClinVar variation 1364781 (VCV001364781.6), dbSNP rs759184301, ClinGen allele CA360309275.